The following is an entry in ClinVar:

NM_004100.5(EYA4):c.1776T>G (p.Phe592Leu)

Genes: EYA4 (EYA transcriptional coactivator and phosphatase 4; plus strand), TARID (TCF21 antisense RNA inducing promoter demethylation; minus strand). Cytogenetic location: 6q23.2.
Variant type: single nucleotide variant.
Coding change: c.1776T>G on transcript NM_004100.5 (MANE Select); coding-DNA position 1776, T replaced by G.
Protein change: p.Phe592Leu; replaces phenylalanine 592 with leucine.
Molecular consequence: missense variant. On other transcripts: intron variant (3).
Genome position (GRCh38, 1-based): chr6:133,525,191, T>G. VCF-style: chr6-133525191-T-G. GRCh37 (hg19) VCF-style: chr6-133846329-T-G.
Other names: c.1794T>G, p.Phe598Leu (NM_001301013.2); c.1632T>G, p.Phe544Leu (NM_001370459.1); c.1707T>G, p.Phe569Leu (NM_172103.4); c.1839+76T>G (NM_172105.4); c.1770+76T>G (NM_001370458.1); c.1677+76T>G (NM_001301012.2); short protein forms F544L, F569L, F592L, F598L.
Identifiers: ClinVar variation 4870724 (VCV004870724.1).

ClinVar aggregate classification (germline): Uncertain significance (1 of 4 stars; one submission).

Conditions:
Cardiovascular phenotype. Identifiers: MedGen CN230736.

gnomAD v4.1: 1 of 1,613,774 alleles (0.000062%); highest among the groups gnomAD compares: African/African-American, 0.0013%; no homozygotes.

Submission:

Ambry Genetics
Classification: Uncertain significance for Cardiovascular phenotype. Last evaluated: 2026-05-23. Review status: criteria provided, single submitter. Criteria: Ambry Variant Classification Scheme 2023. Collection method: clinical testing. Allele origin: germline.
Comment: The p.F592L variant (also known as c.1776T>G), located in coding exon 18 of the EYA4 gene, results from a T to G substitution at nucleotide position 1776. The phenylalanine at codon 592 is replaced by leucine, an amino acid with highly similar properties. This amino acid position is conserved. In addition, this alteration is predicted to be deleterious by in silico analysis. Based on the available evidence, the clinical significance of this variant remains unclear.